The following is an entry in ClinVar:

ClinVar aggregate classification (germline): Pathogenic (1 of 4 stars; one submission).

Submission:

Labcorp Genetics (formerly Invitae), Labcorp
Classification: Pathogenic. Last evaluated: 2021-09-14. Review status: criteria provided, single submitter. Criteria: Invitae Variant Classification Sherloc (09022015). Collection method: clinical testing. Allele origin: germline.
Comment: Disruption of this splice site has been observed in individuals with retinoschisis (PMID: 12920343, 23288992, 27032803, 30652005). This variant is not present in population databases (ExAC no frequency). This sequence change affects a donor splice site in intron 5 of the RS1 gene. While this variant is not anticipated to result in nonsense mediated decay, it likely alters RNA splicing and results in a disrupted protein product. Variants that disrupt the consensus splice site are a relatively common cause of aberrant splicing (PMID: 17576681, 9536098). Algorithms developed to predict the effect of sequence changes on RNA splicing suggest that this variant may disrupt the consensus splice site. For these reasons, this variant has been classified as Pathogenic.

Literature cited by the submitters: PubMed 12920343; PubMed 23288992; PubMed 27032803; PubMed 30652005; PubMed 17576681; PubMed 9536098.

NM_000330.4(RS1):c.522+2T>A

Genes: CDKL5 (cyclin dependent kinase like 5; plus strand), RS1 (retinoschisin 1; minus strand). Cytogenetic location: Xp22.13.
Variant type: single nucleotide variant.
Coding change: c.522+2T>A on transcript NM_000330.4 (MANE Select); the canonical splice donor site of the intron after coding-DNA position 522, T replaced by A.
Molecular consequence: splice donor variant. On other transcripts: intron variant (2).
Genome position (GRCh38, 1-based): chrX:18,644,428, A>T on the plus strand (T>A on the coding strand, the complement: RS1 is on the minus strand). VCF-style: chrX-18644428-A-T. GRCh37 (hg19) VCF-style: chrX-18662548-A-T.
Other names: c.2714-1579A>T (NM_003159.3, NM_001037343.2).
Identifiers: ClinVar variation 1451822 (VCV001451822.7), dbSNP rs2147191083, ClinGen allele CA412371175.